The following is an entry in ClinVar:

ClinVar aggregate classification (germline): Likely benign (1 of 4 stars; one submission).

Conditions:
IFT56-related disorder. Also called: IFT56-related condition.

gnomAD v4.1: 17 of 1,613,758 alleles (0.0011%); highest among the groups gnomAD compares: Admixed American, 0.005%; no homozygotes.

Submission:

PreventionGenetics, part of Exact Sciences
Classification: Likely benign for IFT56-related condition. Last evaluated: 2026-06-29. Review status: criteria provided, single submitter. Criteria: ACMG Guidelines, 2015. Collection method: clinical testing. Allele origin: germline.
Comment: This variant is classified as likely benign based on ACMG/AMP sequence variant interpretation guidelines (Richards et al. 2015 PMID: 25741868, with internal and published modifications).

NM_024926.4(IFT56):c.1245G>A (p.Ala415=)

Gene: IFT56 (intraflagellar transport 56; plus strand). Cytogenetic location: 7q34.
Variant type: single nucleotide variant.
Coding change: c.1245G>A on transcript NM_024926.4 (MANE Select); coding-DNA position 1245, G replaced by A.
Protein change: p.Ala415=; no amino-acid change (alanine 415 retained).
Molecular consequence: synonymous variant.
Genome position (GRCh38, 1-based): chr7:139,179,576, G>A. VCF-style: chr7-139179576-G-A. GRCh37 (hg19) VCF-style: chr7-138864322-G-A.
Other names: c.1245G>A, p.Ala415= (NM_001144920.3); c.1152G>A, p.Ala384= (NM_001144923.3); c.852G>A, p.Ala284= (NM_001287512.2); c.930G>A, p.Ala310= (NM_001287513.2); c.825G>A, p.Ala275= (NM_001318333.2); c.1215G>A, p.Ala405= (NM_001321740.2); c.927G>A, p.Ala309= (NM_001321741.2).
Identifiers: ClinVar variation 4988197 (VCV004988197.1).
Genomic context (GRCh38, chr7:139,179,576, plus strand): 5'-GGTATTTTTATTGCAAAAGCATCCTCATGTGTATTCCCTTTCTTTCCTCTTCTTGCAGGC[G>A]TTCCTCTTGATCCAAAGTGAGAAGATGAAAAATGATTACATTTACCTCAGCTGGTTAGCT-3'
Protein context (NP_079202.2, residues 405-425): ATGNTSEGEE[Ala415=]FLLIQSEKMK